The following is an entry in ClinVar:

ClinVar aggregate classification (germline): Uncertain significance. Review status: criteria provided, multiple submitters, no conflicts (2 of 4 stars). 2 submissions from 2 submitters: Uncertain significance (2). Last evaluated 2022-11-21.

Allele frequency attached by ClinVar (database versions not stated): gnomAD exomes below 0.00001; gnomAD 0.00001.

Submissions (2):

GeneDx
Classification: Uncertain significance. Last evaluated: 2022-11-21. Review status: criteria provided, single submitter. Criteria: GeneDx Variant Classification Process June 2021. Collection method: clinical testing. Allele origin: germline. Affected: yes.
Comment: Not observed at significant frequency in large population cohorts (gnomAD); In silico analysis supports that this missense variant has a deleterious effect on protein structure/function; Has not been previously published as pathogenic or benign to our knowledge

Labcorp Genetics (formerly Invitae), Labcorp
Classification: Uncertain significance. Last evaluated: 2021-12-12. Review status: criteria provided, single submitter. Criteria: Invitae Variant Classification Sherloc (09022015). Collection method: clinical testing. Allele origin: germline.
Comment: This sequence change replaces proline, which is neutral and non-polar, with alanine, which is neutral and non-polar, at codon 218 of the NDUFAF5 protein (p.Pro218Ala). This variant is not present in population databases (gnomAD no frequency). This variant has not been reported in the literature in individuals affected with NDUFAF5-related conditions. Algorithms developed to predict the effect of missense changes on protein structure and function (SIFT, PolyPhen-2, Align-GVGD) all suggest that this variant is likely to be disruptive. In summary, the available evidence is currently insufficient to determine the role of this variant in disease. Therefore, it has been classified as a Variant of Uncertain Significance.

NM_024120.5(NDUFAF5):c.652C>G (p.Pro218Ala)

Gene: NDUFAF5 (NADH:ubiquinone oxidoreductase complex assembly factor 5; plus strand). Cytogenetic location: 20p12.1.
Variant type: single nucleotide variant.
Coding change: c.652C>G on transcript NM_024120.5 (MANE Select); coding-DNA position 652, C replaced by G.
Protein change: p.Pro218Ala; replaces proline 218 with alanine.
Molecular consequence: missense variant. On other transcripts: non-coding transcript variant (7).
Genome position (GRCh38, 1-based): chr20:13,801,618, C>G. VCF-style: chr20-13801618-C-G. GRCh37 (hg19) VCF-style: chr20-13782264-C-G.
Other names: c.568C>G, p.Pro190Ala (NM_001039375.3); c.181C>G, p.Pro61Ala (NM_001352403.2); c.91C>G, p.Pro31Ala (NM_001352406.2, NM_001352407.2); c.652C>G, p.Pro218Ala (NM_001352408.2); c.652C>G (NM_024120.4); short protein forms P190A, P61A, P31A, P218A.
Identifiers: ClinVar variation 1514374 (VCV001514374.3), dbSNP rs1368349739, ClinGen allele CA408271008.